The following is an entry in ClinVar:

ClinVar aggregate classification (germline): Pathogenic (1 of 4 stars; one submission).

Conditions:
Hereditary cancer-predisposing syndrome. Also called: Neoplastic Syndromes, Hereditary; Tumor predisposition; Hereditary Cancer Syndrome; Hereditary neoplastic syndrome. Identifiers: Orphanet 140162, MedGen C0027672, MeSH D009386, MONDO:0015356.
Cardiovascular phenotype. Identifiers: MedGen CN230736.

Submission:

Ambry Genetics
Classification: Pathogenic for Cardiovascular phenotype; Hereditary cancer-predisposing syndrome. Last evaluated: 2025-05-09. Review status: criteria provided, single submitter. Criteria: Ambry Variant Classification Scheme 2023. Collection method: clinical testing. Allele origin: germline.
Comment: The c.755delT pathogenic mutation, located in coding exon 8 of the NF1 gene, results from a deletion of one nucleotide at nucleotide position 755, causing a translational frameshift with a predicted alternate stop codon (p.L252Wfs*29). This alteration was previously detected in an individual diagnosed with neurofibromatosis type 1 (Fahsold R et al. Am. J. Hum. Genet., 2000 Mar;66:790-818). Of note, this alteration is also known as c.754delT in published literature. This alteration is expected to result in loss of function by premature protein truncation or nonsense-mediated mRNA decay. As such, this alteration is interpreted as a disease-causing mutation.

Literature cited by the submitters: PubMed 10712197.

NM_001042492.3(NF1):c.755del (p.Leu252fs)

Gene: NF1 (neurofibromin 1; plus strand). Cytogenetic location: 17q11.2.
Variant type: Deletion.
Coding change: c.755del on transcript NM_001042492.3 (MANE Select); coding-DNA position 755, one base deleted (T; older notation c.755delT).
Protein change: p.Leu252fs; shifts the reading frame from leucine 252.
Molecular consequence: frameshift variant.
Genome position (GRCh38, 1-based): chr17:31,182,532, T deleted; the last of 2 consecutive T bases (chr17:31,182,531-31,182,532); deleting either gives the same sequence. VCF-style (leftmost placement, unchanged base first): chr17-31182530-CT-C. GRCh37 (hg19) VCF-style: chr17-29509548-CT-C.
Other names: c.755delT (NM_000267.3); c.755delT, p.Leu252Trpfs (NM_000267.4); c.755del, p.Leu252fs (NM_001128147.3); short protein forms L252fs.
Identifiers: ClinVar variation 1759515 (VCV001759515.3), dbSNP rs2544753242, ClinGen allele CA2580092871.